The following is an entry in ClinVar:

ClinVar aggregate classification (germline): Uncertain significance. Review status: criteria provided, multiple submitters, no conflicts (2 of 4 stars). 2 submissions from 2 submitters: Uncertain significance (2). Last evaluated 2025-08-22.

Conditions:
Hereditary cancer-predisposing syndrome. Also called: Neoplastic Syndromes, Hereditary; Tumor predisposition; Hereditary Cancer Syndrome; Hereditary neoplastic syndrome. Identifiers: Orphanet 140162, MedGen C0027672, MeSH D009386, MONDO:0015356.
Gastrointestinal stromal tumor. Also called: Gastrointestinal stromal tumor, somatic; Gastrointestinal stroma tumor. Identifiers: Orphanet 44890, MedGen C0238198, MeSH D046152, MONDO:0011719, OMIM 606764, HP:0100723.

Allele frequency attached by ClinVar (database versions not stated): ExAC 0.00001; gnomAD exomes 0.00001.
gnomAD v4.1: 3 of 1,606,372 alleles (0.00019%); highest among the groups gnomAD compares: Non-Finnish European, 0.00026%; no homozygotes.

Submissions (2):

Ambry Genetics
Classification: Uncertain significance for Hereditary cancer-predisposing syndrome. Last evaluated: 2025-08-22. Review status: criteria provided, single submitter. Criteria: Ambry Variant Classification Scheme 2023. Collection method: clinical testing. Allele origin: germline.
Comment: The p.N933Y variant (also known as c.2797A>T), located in coding exon 20 of the KIT gene, results from an A to T substitution at nucleotide position 2797. The asparagine at codon 933 is replaced by tyrosine, an amino acid with dissimilar properties. This amino acid position is conserved. In addition, this alteration is predicted to be tolerated by in silico analysis. Based on the available evidence, the clinical significance of this variant remains unclear.

Labcorp Genetics (formerly Invitae), Labcorp
Classification: Uncertain significance for Gastrointestinal stromal tumor. Last evaluated: 2025-06-26. Review status: criteria provided, single submitter. Criteria: Invitae Variant Classification Sherloc (09022015). Collection method: clinical testing. Allele origin: germline.
Comment: This sequence change replaces asparagine, which is neutral and polar, with tyrosine, which is neutral and polar, at codon 933 of the KIT protein (p.Asn933Tyr). This variant is present in population databases (rs764847795, gnomAD 0.002%). This variant has not been reported in the literature in individuals affected with KIT-related conditions. ClinVar contains an entry for this variant (Variation ID: 2717065). An algorithm developed to predict the effect of missense changes on protein structure and function (PolyPhen-2) suggests that this variant is likely to be tolerated. In summary, the available evidence is currently insufficient to determine the role of this variant in disease. Therefore, it has been classified as a Variant of Uncertain Significance.

NM_000222.3(KIT):c.2797A>T (p.Asn933Tyr)

Gene: KIT (KIT proto-oncogene, receptor tyrosine kinase; plus strand). Cytogenetic location: 4q12.
Variant type: single nucleotide variant.
Coding change: c.2797A>T on transcript NM_000222.3 (MANE Select); coding-DNA position 2797, A replaced by T.
Protein change: p.Asn933Tyr; replaces asparagine 933 with tyrosine.
Molecular consequence: missense variant.
Genome position (GRCh38, 1-based): chr4:54,737,275, A>T. VCF-style: chr4-54737275-A-T. GRCh37 (hg19) VCF-style: chr4-55603441-A-T.
Other names: c.2785A>T, p.Asn929Tyr (NM_001093772.2, NM_001385292.1); c.2800A>T, p.Asn934Tyr (NM_001385284.1); c.2794A>T, p.Asn932Tyr (NM_001385285.1); c.2782A>T, p.Asn928Tyr (NM_001385286.1); c.2788A>T, p.Asn930Tyr (NM_001385288.1); c.2797A>T, p.Asn933Tyr (NM_001385290.1); short protein forms N928Y, N933Y, N929Y, N930Y, N932Y, N934Y.
Identifiers: ClinVar variation 2717065 (VCV002717065.4), dbSNP rs764847795, ClinGen allele CA2923851.